The following is an entry in ClinVar:

NM_004444.5(EPHB4):c.1351A>C (p.Ser451Arg)

Gene: EPHB4 (EPH receptor B4; minus strand). Cytogenetic location: 7q22.1.
Variant type: single nucleotide variant.
Coding change: c.1351A>C on transcript NM_004444.5 (MANE Select); coding-DNA position 1351, A replaced by C.
Protein change: p.Ser451Arg; replaces serine 451 with arginine.
Molecular consequence: missense variant.
Genome position (GRCh38, 1-based): chr7:100,818,591, T>G on the plus strand (A>C on the coding strand, the complement: EPHB4 is on the minus strand). VCF-style: chr7-100818591-T-G. GRCh37 (hg19) VCF-style: chr7-100416213-T-G.
Other names: short protein forms S451R.
Identifiers: ClinVar variation 3224267 (VCV003224267.1), dbSNP rs1232069852, ClinGen allele CA368573758.
Genomic context (GRCh38, chr7:100,818,591, plus strand): 5'-ATTTGACCTCGTAGTCCAGCACAGCCCCACTGGGTGCCCGGGGAACAGCCCAGGCCAGGC[T>G]CAAGCTGCTGGGTGAGGACCGCGTCACCCGGATGTCAGACACTGCAGGAGGTACTGTGAG-3'
Protein context (NP_004435.3, residues 441-461): RVTRSSPSSL[Ser451Arg]LAWAVPRAPS

ClinVar aggregate classification (germline): Uncertain significance (1 of 4 stars; one submission).

Conditions:
Cardiovascular phenotype. Identifiers: MedGen CN230736.

Allele frequency attached by ClinVar (database versions not stated): TOPMed below 0.00001.

Submission:

Ambry Genetics
Classification: Uncertain significance for Cardiovascular phenotype. Last evaluated: 2023-12-29. Review status: criteria provided, single submitter. Criteria: Ambry Variant Classification Scheme 2023. Collection method: clinical testing. Allele origin: germline.
Comment: The p.S451R variant (also known as c.1351A>C), located in coding exon 7 of the EPHB4 gene, results from an A to C substitution at nucleotide position 1351. The serine at codon 451 is replaced by arginine, an amino acid with dissimilar properties. This amino acid position is conserved. In addition, this alteration is predicted to be tolerated by in silico analysis. Since supporting evidence is limited at this time, the clinical significance of this alteration remains unclear.